The following is an entry in ClinVar:

ClinVar aggregate classification (germline): Pathogenic (1 of 4 stars; one submission).

Submission:

GeneDx
Classification: Pathogenic. Last evaluated: 2013-02-26. Review status: criteria provided, single submitter. Criteria: GeneDx Variant Classification (06012015). Collection method: clinical testing. Allele origin: germline. Affected: yes.
Comment: This variant is denoted c.1958_1959dupCT: p.Ala654LeufsX7 (A654Lfsx7) in exon 1 of the PCDH19 gene (NM_001105243.1). The c.1958_1959dupCT mutation in the PCDH19 gene causes a frameshift starting with codon Alanine 654, changes this amino acid to a Leucine residue and creates a premature Stop codon at position 7 of the new reading frame, denoted p.Ala654LeufsX7. This mutation is predicted to cause loss of normal protein function either through protein truncation or nonsense-mediated mRNA decay. Although this mutation has not been previously reported to our knowledge, other frameshift mutations in this gene have been reported in association with epilepsy. Therefore, the presence of c.1958_1959dupCT is consistent with a diagnosis of a PCDH19-related disorder. The variant is found in EPILEPSY panel(s).

NM_001184880.2(PCDH19):c.1958_1959dup (p.Ala654fs)

Gene: PCDH19 (protocadherin 19; minus strand). Cytogenetic location: Xq22.1.
Variant type: Microsatellite.
Coding change: c.1958_1959dup on transcript NM_001184880.2 (MANE Select); coding-DNA positions 1958 to 1959, 2 bases duplicated (CT; older notation c.1958_1959dupCT).
Protein change: p.Ala654fs; shifts the reading frame from alanine 654.
Molecular consequence: frameshift variant.
Genome position (GRCh38, 1-based): chrX:100,406,639-100,406,640, AG duplicated on the plus strand (CT on the coding strand, the reverse complement: PCDH19 is on the minus strand); duplicating any 2 consecutive bases within chrX:100,406,639-100,406,647 gives the same sequence; the c. name uses the placement nearest the transcript's 3' end. VCF-style (leftmost placement, unchanged base first): chrX-100406638-C-CAG. GRCh37 (hg19) VCF-style: chrX-99661636-C-CAG.
Other names: c.1958_1959dup, p.Ala654fs (NM_001105243.2, NM_020766.3); short protein forms A654fs.
Identifiers: ClinVar variation 206359 (VCV000206359.1), dbSNP rs796052835, ClinGen allele CA316408.